The following is an entry in ClinVar:

ClinVar aggregate classification (germline): Likely pathogenic. Review status: criteria provided, single submitter (1 of 4 stars). 2 submissions from 2 submitters: Likely pathogenic (1). 1 of the submissions does not count toward it. Last evaluated 2025-03-04.

Conditions:
TNF receptor-associated periodic fever syndrome (TRAPS) (FPF). Also called: Autosomal Dominant Familial Periodic Fever; TNF RECEPTOR-ASSOCIATED PERIODIC SYNDROME; TUMOR NECROSIS FACTOR RECEPTOR-ASSOCIATED PERIODIC SYNDROME; TNF Receptor-Associated Periodic Fever Syndrome; FAMILIAL HIBERNIAN FEVER; TNF receptor 1-associated periodic fever syndrome. Identifiers: Orphanet 32960, MedGen C1275126, MONDO:0007727, OMIM 142680.

Submissions (2):

Institute of Human Genetics, University of Leipzig Medical Center
Classification: Likely pathogenic for TNF receptor-associated periodic fever syndrome (TRAPS). Last evaluated: 2025-03-04. Review status: criteria provided, single submitter. Criteria: ACMG Guidelines, 2015. Collection method: clinical testing. Allele origin: unknown. Inheritance: Autosomal dominant inheritance. Affected: yes.
Comment: Criteria applied: PM2,PP1_MOD,PS4_SUP,PP3

Unité médicale des maladies autoinflammatoires, CHRU Montpellier
No classification provided. Condition: TNF receptor-associated periodic fever syndrome (TRAPS). Review status: no classification provided. Collection method: not provided. Allele origin: unknown. Not counted in ClinVar's aggregate classification.

NM_001065.4(TNFRSF1A):c.380G>A (p.Cys127Tyr)

Gene: TNFRSF1A (TNF receptor superfamily member 1A; minus strand). Cytogenetic location: 12p13.31.
Variant type: single nucleotide variant.
Coding change: c.380G>A on transcript NM_001065.4 (MANE Select); coding-DNA position 380, G replaced by A.
Protein change: p.Cys127Tyr; replaces cysteine 127 with tyrosine.
Molecular consequence: missense variant. On other transcripts: 5 prime UTR variant (1), non-coding transcript variant (1).
Genome position (GRCh38, 1-based): chr12:6,333,459, C>T on the plus strand (G>A on the coding strand, the complement: TNFRSF1A is on the minus strand). VCF-style: chr12-6333459-C-T. GRCh37 (hg19) VCF-style: chr12-6442625-C-T.
Other names: c.56G>A, p.Cys19Tyr (NM_001346091.2); c.-198G>A (NM_001346092.2); short protein forms C127Y, C19Y.
Identifiers: ClinVar variation 97698 (VCV000097698.2), dbSNP rs104895242, ClinGen allele CA280849.
Genomic context (GRCh38, chr12:6,333,459, plus strand): 5'-CTGCAATTGAAGCACTGGAAAAGGTTTTCACTCCAATAATGCCGGTACTGGTTCTTCCTG[C>T]AGCCACACACGGTGTCCCGGTCCACTGTGCAAGAAGAGATCTCCACCTGACCCATTTCTG-3'
Protein context (NP_001056.1, residues 117-137): CTVDRDTVCG[Cys127Tyr]RKNQYRHYWS